The following is an entry in ClinVar:

ClinVar aggregate classification (germline): Conflicting classifications of pathogenicity. Review status: criteria provided, conflicting classifications (1 of 4 stars). 3 submissions from 3 submitters: Pathogenic (1); Likely pathogenic (1); Uncertain significance (1). Last evaluated 2024-10-10.

Conditions:
Retinitis pigmentosa 56 (RP56). Identifiers: Orphanet 791, MedGen C3150819, MONDO:0013314, OMIM 613581.
IMPG2-related disorders.
Retinitis pigmentosa (RP). Identifiers: Orphanet 791, MedGen C0035334, MeSH D012174, MONDO:0019200, OMIM 268000. Inheritance: Autosomal dominant, autosomal recessive and X linked inheritance.

Allele frequency attached by ClinVar (database versions not stated): gnomAD exomes below 0.00001; gnomAD 0.00001.
gnomAD v4.1: 1 of 1,613,540 alleles (0.000062%); highest among the groups gnomAD compares: Non-Finnish European, 0.000085%; no homozygotes.

Submissions (3):

3billion
Classification: Uncertain significance for Retinitis pigmentosa 56. Last evaluated: 2024-10-10. Review status: criteria provided, single submitter. Criteria: ACMG Guidelines, 2015. Collection method: clinical testing. Allele origin: germline. Affected: yes.
Comment: The variant is not observed in the gnomAD v4.1.0 dataset. Predicted Consequence/Location: Canonical splice site: predicted to alter splicing and result in a loss or disruption of normal protein function. Multiple pathogenic loss-of-function variants are reported downstream of the variant. In silico tools predict the variant to alter splicing and produce an abnormal transcript [SpliceAI: 0.98 (spliceogenicity >=0.2, non-spliceogenicity <0.1)]. The variant has been reported to be associated with IMPG2 related disorder (ClinVar ID: VCV001517305). Therefore, this variant is classified as Pathogenic according to the recommendation of ACMG/AMP guideline.

Molecular Genetics Laboratory, Institute for Ophthalmic Research
Classification: Pathogenic for Retinitis pigmentosa. Last evaluated: 2020-01-09. Review status: criteria provided, single submitter. Criteria: ACMG Guidelines, 2015. Collection method: research. Allele origin: germline. Affected: yes.

Blueprint Genetics
Classification: Likely pathogenic for IMPG2-related disorders. Last evaluated: 2018-12-13. Review status: criteria provided, single submitter. Criteria: ACMG Guidelines, 2015. Collection method: clinical testing. Allele origin: germline. Affected: yes. Observed: 2 variant alleles.

NM_016247.4(IMPG2):c.501+5G>A

Gene: IMPG2 (interphotoreceptor matrix proteoglycan 2; minus strand). Cytogenetic location: 3q12.3.
Variant type: single nucleotide variant.
Coding change: c.501+5G>A on transcript NM_016247.4 (MANE Select); 5 bases into the intron after coding-DNA position 501, G replaced by A.
Molecular consequence: intron variant.
Genome position (GRCh38, 1-based): chr3:101,304,141, C>T on the plus strand (G>A on the coding strand, the complement: IMPG2 is on the minus strand). VCF-style: chr3-101304141-C-T. GRCh37 (hg19) VCF-style: chr3-101022985-C-T.
Identifiers: ClinVar variation 813054 (VCV000813054.4), dbSNP rs1404077542, ClinGen allele CA545050654.